The following is an entry in ClinVar:

ClinVar aggregate classification (germline): Uncertain significance (1 of 4 stars; one submission).

Submission:

Ambry Genetics
Classification: Uncertain significance. Last evaluated: 2025-11-10. Review status: criteria provided, single submitter. Criteria: Ambry Variant Classification Scheme 2023. Collection method: clinical testing. Allele origin: germline.
Comment: The p.Q1714K variant (also known as c.5140C>A), located in coding exon 22 of the WNK2 gene, results from a C to A substitution at nucleotide position 5140. The glutamine at codon 1714 is replaced by lysine, an amino acid with similar properties. This amino acid position is conserved. In addition, this alteration is predicted to be tolerated by in silico analysis. Based on the available evidence, the clinical significance of this variant remains unclear.

NM_006648.4(WNK2):c.5140C>A (p.Gln1714Lys)

Gene: WNK2 (WNK lysine deficient protein kinase 2; plus strand). Cytogenetic location: 9q22.31.
Variant type: single nucleotide variant.
Coding change: c.5140C>A on transcript NM_006648.4 (MANE Select); coding-DNA position 5140, C replaced by A.
Protein change: p.Gln1714Lys; replaces glutamine 1714 with lysine.
Molecular consequence: missense variant.
Genome position (GRCh38, 1-based): chr9:93,292,605, C>A. VCF-style: chr9-93292605-C-A. GRCh37 (hg19) VCF-style: chr9-96054887-C-A.
Other names: c.5251C>A, p.Gln1751Lys (NM_001282394.3); short protein forms Q1714K, Q1751K.
Identifiers: ClinVar variation 4605352 (VCV004605352.1).
Genomic context (GRCh38, chr9:93,292,605, plus strand): 5'-GGAGAAGCTGGAGAAAGCTCGGCAGAGCCCCCGCCGAGTGACATGGGCACAGTGGGGGGC[C>A]AGGCTAGCCACCCCCAGACACTCGGCGCTCGAGCTTTGGGGTCCCCTCGGAAACGTCCAG-3'
Protein context (NP_006639.3, residues 1704-1724): PPSDMGTVGG[Gln1714Lys]ASHPQTLGAR